The following is an entry in ClinVar:

ClinVar aggregate classification (germline): Uncertain significance. Review status: criteria provided, multiple submitters, no conflicts (2 of 4 stars). 4 submissions from 4 submitters: Uncertain significance (4). Last evaluated 2025-03-18.

Conditions:
Dyskeratosis congenita. Identifiers: Orphanet 1775, MedGen C0265965, MONDO:0015780.
Inborn genetic diseases. Identifiers: MedGen C0950123, MeSH D030342.

Allele frequency attached by ClinVar (database versions not stated): gnomAD exomes 0.00001 and 0.00003; ExAC 0.00003; TOPMed 0.00003; gnomAD 0.00005.
gnomAD v4.1: 21 of 1,614,066 alleles (0.0013%); highest among the groups gnomAD compares: Admixed American, 0.01%; no homozygotes.

Submissions (4):

Mayo Clinic Laboratories, Mayo Clinic
Classification: Uncertain significance. Last evaluated: 2025-03-18. Review status: criteria provided, single submitter. Criteria: ACMG Guidelines, 2015. Collection method: clinical testing. Allele origin: germline. Observed: 1 variant allele.
Comment: BP4

Ambry Genetics
Classification: Uncertain significance for Inborn genetic diseases. Last evaluated: 2024-09-20. Review status: criteria provided, single submitter. Criteria: Ambry Variant Classification Scheme 2023. Collection method: clinical testing. Allele origin: germline.

Labcorp Genetics (formerly Invitae), Labcorp
Classification: Uncertain significance for Dyskeratosis congenita. Last evaluated: 2022-03-26. Review status: criteria provided, single submitter. Criteria: Invitae Variant Classification Sherloc (09022015). Collection method: clinical testing. Allele origin: germline.
Comment: This sequence change replaces glutamine, which is neutral and polar, with arginine, which is basic and polar, at codon 296 of the CTC1 protein (p.Gln296Arg). This variant is present in population databases (rs746829533, gnomAD 0.02%). This variant has not been reported in the literature in individuals affected with CTC1-related conditions. ClinVar contains an entry for this variant (Variation ID: 1008320). Algorithms developed to predict the effect of missense changes on protein structure and function (SIFT, PolyPhen-2, Align-GVGD) all suggest that this variant is likely to be tolerated. In summary, the available evidence is currently insufficient to determine the role of this variant in disease. Therefore, it has been classified as a Variant of Uncertain Significance.

Blueprint Genetics
Classification: Uncertain significance. Last evaluated: 2022-02-09. Review status: criteria provided, single submitter. Criteria: ACMG Guidelines, 2015. Collection method: clinical testing. Allele origin: germline.

NM_025099.6(CTC1):c.887A>G (p.Gln296Arg)

Gene: CTC1 (CST telomere replication complex component 1; minus strand). Cytogenetic location: 17p13.1.
Variant type: single nucleotide variant.
Coding change: c.887A>G on transcript NM_025099.6 (MANE Select); coding-DNA position 887, A replaced by G.
Protein change: p.Gln296Arg; replaces glutamine 296 with arginine.
Molecular consequence: missense variant. On other transcripts: non-coding transcript variant (1).
Genome position (GRCh38, 1-based): chr17:8,236,248, T>C on the plus strand (A>G on the coding strand, the complement: CTC1 is on the minus strand). VCF-style: chr17-8236248-T-C. GRCh37 (hg19) VCF-style: chr17-8139566-T-C.
Other names: p.Gln296Arg; c.887A>G (NM_025099.5); short protein forms Q296R.
Identifiers: ClinVar variation 1008320 (VCV001008320.9), dbSNP rs746829533, ClinGen allele CA8372527.